The following is an entry in ClinVar:

ClinVar aggregate classification (germline): Uncertain significance (1 of 4 stars; one submission).

Conditions:
Primary ciliary dyskinesia. Also called: Ciliary dyskinesia. Identifiers: Orphanet 244, MedGen C0008780, MONDO:0016575, HP:0012265.

gnomAD v4.1: 1 of 1,601,988 alleles (0.000062%); highest among the groups gnomAD compares: Non-Finnish European, 0.000085%; no homozygotes.

Submission:

Labcorp Genetics (formerly Invitae), Labcorp
Classification: Uncertain significance for Primary ciliary dyskinesia. Last evaluated: 2019-12-05. Review status: criteria provided, single submitter. Criteria: Invitae Variant Classification Sherloc (09022015). Collection method: clinical testing. Allele origin: germline.
Comment: In summary, the available evidence is currently insufficient to determine the role of this variant in disease. Therefore, it has been classified as a Variant of Uncertain Significance. Algorithms developed to predict the effect of missense changes on protein structure and function are either unavailable or do not agree on the potential impact of this missense change (SIFT: "Deleterious"; PolyPhen-2: "Benign"; Align-GVGD: "Class C0"). This variant has not been reported in the literature in individuals with DNAH11-related conditions. This variant is not present in population databases (ExAC no frequency). This sequence change replaces lysine with asparagine at codon 866 of the DNAH11 protein (p.Lys866Asn). The lysine residue is moderately conserved and there is a moderate physicochemical difference between lysine and asparagine.

NM_001277115.2(DNAH11):c.2598G>C (p.Lys866Asn)

Gene: DNAH11 (dynein axonemal heavy chain 11; plus strand). Cytogenetic location: 7p15.3.
Variant type: single nucleotide variant.
Coding change: c.2598G>C on transcript NM_001277115.2 (MANE Select); coding-DNA position 2598, G replaced by C.
Protein change: p.Lys866Asn; replaces lysine 866 with asparagine.
Molecular consequence: missense variant.
Genome position (GRCh38, 1-based): chr7:21,591,508, G>C. VCF-style: chr7-21591508-G-C. GRCh37 (hg19) VCF-style: chr7-21631126-G-C.
Other names: short protein forms K866N.
Identifiers: ClinVar variation 858732 (VCV000858732.9), dbSNP rs1784687735, ClinGen allele CA366943039.
Genomic context (GRCh38, chr7:21,591,508, plus strand): 5'-GTGCGTGCTACCTCCCAGGAGAGAGCACAGACGAGAGGCAGCCTTCACCTTGGAGGACAA[G>C]GGTGATTTGTTTACAAAAAAATACAAGTTAATCCAAGGAGATGGCTGCAAGATCCACAAC-3'
Protein context (NP_001264044.1, residues 856-876): RREAAFTLED[Lys866Asn]GDLFTKKYKL